The following is an entry in ClinVar:

ClinVar aggregate classification (germline): Uncertain significance (1 of 4 stars; one submission).

Submission:

Ambry Genetics
Classification: Uncertain significance. Last evaluated: 2023-01-01. Review status: criteria provided, single submitter. Criteria: Ambry Variant Classification Scheme 2023. Collection method: clinical testing. Allele origin: germline.
Comment: The p.V1275A variant (also known as c.3824T>C), located in coding exon 4 of the ALPK2 gene, results from a T to C substitution at nucleotide position 3824. The valine at codon 1275 is replaced by alanine, an amino acid with similar properties. This amino acid position is conserved. In addition, this alteration is predicted to be tolerated by in silico analysis. Since supporting evidence is limited at this time, the clinical significance of this alteration remains unclear.

NM_052947.4(ALPK2):c.3824T>C (p.Val1275Ala)

Genes: ALPK2 (alpha kinase 2; minus strand), LOC126862764 (BRD4-independent group 4 enhancer GRCh37_chr18:56202574-56203773; plus strand). Cytogenetic location: 18q21.31.
Variant type: single nucleotide variant.
Coding change: c.3824T>C on transcript NM_052947.4 (MANE Select); coding-DNA position 3824, T replaced by C.
Protein change: p.Val1275Ala; replaces valine 1275 with alanine.
Molecular consequence: missense variant.
Genome position (GRCh38, 1-based): chr18:58,536,363, A>G on the plus strand (T>C on the coding strand, the complement: ALPK2 is on the minus strand). VCF-style: chr18-58536363-A-G. GRCh37 (hg19) VCF-style: chr18-56203595-A-G.
Other names: short protein forms V1275A.
Identifiers: ClinVar variation 2449249 (VCV002449249.2), dbSNP rs2518875877, ClinGen allele CA402565459.